The following is an entry in ClinVar:

NM_000069.3(CACNA1S):c.1567G>A (p.Gly523Ser)

Gene: CACNA1S (calcium voltage-gated channel subunit alpha1 S; minus strand). Cytogenetic location: 1q32.1.
Variant type: single nucleotide variant.
Coding change: c.1567G>A on transcript NM_000069.3 (MANE Select); coding-DNA position 1567, G replaced by A.
Protein change: p.Gly523Ser; replaces glycine 523 with serine.
Molecular consequence: missense variant.
Genome position (GRCh38, 1-based): chr1:201,077,931, C>T on the plus strand (G>A on the coding strand, the complement: CACNA1S is on the minus strand). VCF-style: chr1-201077931-C-T. GRCh37 (hg19) VCF-style: chr1-201047059-C-T.
Other names: c.1567G>A (NM_000069.2); short protein forms G523S.
Identifiers: ClinVar variation 3070810 (VCV003070810.4), dbSNP rs2464570546, ClinGen allele CA344121328.
Genomic context (GRCh38, chr1:201,077,931, plus strand): 5'-GCACTCACTTGGTGATCTTGAAGATCCTCAGGAGGCGGATGCAGCGGAGCACGGAGATGC[C>T]CAGGGGTGTCATGGCACCCGACTCCACCAGCAGGATCTCCAGGATACCGCTACACACCAC-3'
Protein context (NP_000060.2, residues 513-533): LVESGAMTPL[Gly523Ser]ISVLRCIRLL

ClinVar aggregate classification (germline): Uncertain significance. Review status: criteria provided, multiple submitters, no conflicts (2 of 4 stars). 3 submissions from 3 submitters: Uncertain significance (3). Last evaluated 2026-05-19.

Conditions:
Malignant hyperthermia, susceptibility to, 5 (MHS5). Also called: CACNA1S-Related Malignant Hyperthermia Susceptibility. Identifiers: Orphanet 423, MedGen C1866077, MONDO:0011163, OMIM 601887.
Hypokalemic periodic paralysis, type 1. Also called: HypoPP; Hypokalemic Periodic Paralysis Type 1 (AD). Identifiers: Orphanet 681, MedGen C3714580, MONDO:0042979, OMIM 170400.
CACNA1S-related disorder. Also called: CACNA1S-related condition.

Submissions (3):

PreventionGenetics, part of Exact Sciences
Classification: Uncertain significance for CACNA1S-related condition. Last evaluated: 2026-05-19. Review status: criteria provided, single submitter. Criteria: ACMG Guidelines, 2015. Collection method: clinical testing. Allele origin: germline.
Comment: The CACNA1S c.1567G>A variant is predicted to result in the amino acid substitution p.Gly523Ser. To our knowledge, this variant has not been reported in the literature or in a large population database (gnomAD), indicating this variant is rare. At this time, the clinical significance of this variant is uncertain due to the absence of conclusive functional and genetic evidence.

Labcorp Genetics (formerly Invitae), Labcorp
Classification: Uncertain significance for Hypokalemic periodic paralysis, type 1; Malignant hyperthermia, susceptibility to, 5. Last evaluated: 2024-10-18. Review status: criteria provided, single submitter. Criteria: Invitae Variant Classification Sherloc (09022015). Collection method: clinical testing. Allele origin: germline.
Comment: This sequence change replaces glycine, which is neutral and non-polar, with serine, which is neutral and polar, at codon 523 of the CACNA1S protein (p.Gly523Ser). This variant is not present in population databases (gnomAD no frequency). This variant has not been reported in the literature in individuals affected with CACNA1S-related conditions. Invitae Evidence Modeling of protein sequence and biophysical properties (such as structural, functional, and spatial information, amino acid conservation, physicochemical variation, residue mobility, and thermodynamic stability) has been performed for this missense variant. However, the output from this modeling did not meet the statistical confidence thresholds required to predict the impact of this variant on CACNA1S protein function. In summary, the available evidence is currently insufficient to determine the role of this variant in disease. Therefore, it has been classified as a Variant of Uncertain Significance.

All of Us Research Program, National Institutes of Health
Classification: Uncertain significance for Malignant hyperthermia, susceptibility to, 5. Last evaluated: 2023-05-30. Review status: criteria provided, single submitter. Criteria: ACMG Guidelines, 2015. Collection method: clinical testing. Allele origin: germline. Inheritance: Autosomal dominant inheritance. Observed: 2 variant alleles, 2 heterozygotes.
Comment: This missense variant replaces glycine with serine at codon 523 of the CACNA1S protein. Computational prediction suggests that this variant may have deleterious impact on protein structure and function (internally defined REVEL score threshold >= 0.7, PMID: 27666373). To our knowledge, functional studies have not been reported for this variant. This variant has not been reported in individuals affected with CACNA1S-related disorders in the literature. This variant has not been identified in the general population by the Genome Aggregation Database (gnomAD). The available evidence is insufficient to determine the role of this variant in disease conclusively. Therefore, this variant is classified as a Variant of Uncertain Significance.

This study involves interpretation of variants in research participants for the purpose of population health screening. Participant phenotype was not available at the time of variant classification. Additional details can be found in publication PMID: 35346344, PMCID: PMC8962531